The following is an entry in ClinVar:

NM_005262.2(GFER):c.-279C>A

Gene: GFER (growth factor, augmenter of liver regeneration; plus strand). Cytogenetic location: 16p13.3.
Variant type: single nucleotide variant.
Coding change: c.-279C>A on transcript NM_005262.2; 279 bases upstream of the start codon, C replaced by A.
Genome position (GRCh38, 1-based): chr16:1,983,940, C>A. VCF-style: chr16-1983940-C-A. GRCh37 (hg19) VCF-style: chr16-2033941-C-A.
Identifiers: ClinVar variation 671762 (VCV000671762.3), dbSNP rs4305019, ClinGen allele CA14291480.

ClinVar aggregate classification (germline): Benign (1 of 4 stars; one submission).

Allele frequency attached by ClinVar (database versions not stated): gnomAD 0.14366 and 0.13860; 1000 Genomes Project 30x 0.13570; 1000 Genomes Project 0.13638; TOPMed 0.13202.

Submission:

GeneDx
Classification: Benign. Last evaluated: 2018-06-19. Review status: criteria provided, single submitter. Criteria: GeneDx Variant Classification (06012015). Collection method: clinical testing. Allele origin: germline. Affected: yes.
Comment: This variant is considered likely benign or benign based on one or more of the following criteria: it is a conservative change, it occurs at a poorly conserved position in the protein, it is predicted to be benign by multiple in silico algorithms, and/or has population frequency not consistent with disease.